The following is an entry in ClinVar:

NM_001009944.3(PKD1):c.12757C>T (p.Arg4253Trp)

Gene: PKD1 (polycystin 1, transient receptor potential channel interacting; minus strand). Cytogenetic location: 16p13.3.
Variant type: single nucleotide variant.
Coding change: c.12757C>T on transcript NM_001009944.3 (MANE Select); coding-DNA position 12757, C replaced by T.
Protein change: p.Arg4253Trp; replaces arginine 4253 with tryptophan.
Molecular consequence: missense variant.
Genome position (GRCh38, 1-based): chr16:2,089,882, G>A on the plus strand (C>T on the coding strand, the complement: PKD1 is on the minus strand). VCF-style: chr16-2089882-G-A. GRCh37 (hg19) VCF-style: chr16-2139883-G-A.
Other names: c.12754C>T, p.Arg4252Trp (NM_000296.4); short protein forms R4253W, R4252W.
Identifiers: ClinVar variation 3418967 (VCV003418967.2).

ClinVar aggregate classification (germline): Conflicting classifications of pathogenicity. Review status: criteria provided, conflicting classifications (1 of 4 stars). 2 submissions from 2 submitters: Uncertain significance (1); Likely benign (1). Last evaluated 2026-04-21.

Conditions:
Inborn genetic diseases. Identifiers: MedGen C0950123, MeSH D030342.
PKD1-related disorder. Also called: PKD1-related condition.

gnomAD v4.1: 42 of 1,610,402 alleles (0.0026%); highest among the groups gnomAD compares: South Asian, 0.019%; no homozygotes.

Submissions (2):

PreventionGenetics, part of Exact Sciences
Classification: Likely benign for PKD1-related condition. Last evaluated: 2026-04-21. Review status: criteria provided, single submitter. Criteria: ACMG Guidelines, 2015. Collection method: clinical testing. Allele origin: germline.
Comment: This variant is classified as likely benign based on ACMG/AMP sequence variant interpretation guidelines (Richards et al. 2015 PMID: 25741868, with internal and published modifications).

Ambry Genetics
Classification: Uncertain significance for Inborn genetic diseases. Last evaluated: 2024-11-07. Review status: criteria provided, single submitter. Criteria: Ambry Variant Classification Scheme 2023. Collection method: clinical testing. Allele origin: germline.